The following is an entry in ClinVar:

NM_016343.4(CENPF):c.7821T>G (p.Phe2607Leu)

Gene: CENPF (centromere protein F; plus strand). Cytogenetic location: 1q41.
Variant type: single nucleotide variant.
Coding change: c.7821T>G on transcript NM_016343.4 (MANE Select); coding-DNA position 7821, T replaced by G.
Protein change: p.Phe2607Leu; replaces phenylalanine 2607 with leucine.
Molecular consequence: missense variant.
Genome position (GRCh38, 1-based): chr1:214,647,391, T>G. VCF-style: chr1-214647391-T-G. GRCh37 (hg19) VCF-style: chr1-214820734-T-G.
Other names: short protein forms F2607L.
Identifiers: ClinVar variation 4071702 (VCV004071702.1).

ClinVar aggregate classification (germline): Uncertain significance (1 of 4 stars; one submission).

gnomAD v4.1: 5 of 1,604,664 alleles (0.00031%); highest among the groups gnomAD compares: African/African-American, 0.0054%; no homozygotes.

Submission:

GeneDx
Classification: Uncertain significance. Last evaluated: 2025-01-24. Review status: criteria provided, single submitter. Criteria: GeneDx Variant Classification Process June 2021. Collection method: clinical testing. Allele origin: germline. Affected: yes.
Comment: Not observed at significant frequency in large population cohorts (gnomAD); In silico analysis indicates that this missense variant does not alter protein structure/function; Has not been previously published as pathogenic or benign to our knowledge